The following is an entry in ClinVar:

NM_024422.6(DSC2):c.2298G>C (p.Gln766His)

Gene: DSC2 (desmocollin 2; minus strand). Cytogenetic location: 18q12.1.
Variant type: single nucleotide variant.
Coding change: c.2298G>C on transcript NM_024422.6 (MANE Select); coding-DNA position 2298, G replaced by C.
Protein change: p.Gln766His; replaces glutamine 766 with histidine.
Molecular consequence: missense variant.
Genome position (GRCh38, 1-based): chr18:31,069,104, C>G on the plus strand (G>C on the coding strand, the complement: DSC2 is on the minus strand). VCF-style: chr18-31069104-C-G. GRCh37 (hg19) VCF-style: chr18-28649070-C-G.
Other names: p.Q766H:CAG>CAC; p.Gln766His; c.2298G>C (LRG_400t1); c.2298G>C, p.Gln766His (NM_004949.5); short protein forms Q766H.
Identifiers: ClinVar variation 199772 (VCV000199772.61), dbSNP rs139558481, ClinGen allele CA022655.
Genomic context (GRCh38, chr18:31,069,104, plus strand): 5'-CATTTCGATGGTCTCCTGACCTCCGTTTTTGATTCCTGATCCCACGGTGCCACAAACTCC[C>G]TGAGCAGAAGCGCCCACAGTTTGGGTTGTGAAGCCATTCGCAGAATACTGAAATGAAAAC-3'
Protein context (NP_077740.1, residues 756-776): FTTQTVGASA[Gln766His]GVCGTVGSGI

ClinVar aggregate classification (germline): Conflicting classifications of pathogenicity. Review status: criteria provided, conflicting classifications (1 of 4 stars). 7 submissions from 7 submitters: Uncertain significance (4); Likely benign (3). Last evaluated 2026-01-26.

Conditions:
Cardiovascular phenotype. Identifiers: MedGen CN230736.
Familial isolated arrhythmogenic right ventricular dysplasia. Identifiers: Orphanet 217656, MedGen C4274968, MONDO:0016342.
Cardiomyopathy (CMYO). Also called: Cardiomyopathies. Identifiers: Orphanet 167848, MedGen C0878544, MONDO:0004994, HP:0001638. Inheritance: Various modes of inheritance.
Arrhythmogenic right ventricular dysplasia 11. Also called: Arrhythmogenic Right Ventricular Dysplasia/Cardiomyopathy11; ARRHYTHMOGENIC RIGHT VENTRICULAR DYSPLASIA, FAMILIAL, 11; Arrhythmogenic right ventricular dysplasia 11 with mild palmoplantar keratoderma and woolly hair. Identifiers: MedGen C1864850, MONDO:0012506, OMIM 610476.

Allele frequency attached by ClinVar (database versions not stated): gnomAD exomes 0.00003 and 0.00005; ExAC 0.00004; gnomAD 0.00013; TOPMed 0.00014; ESP Exome Variant Server 0.00015.
gnomAD v4.1: 71 of 1,614,018 alleles (0.0044%); highest among the groups gnomAD compares: African/African-American, 0.075%; no homozygotes.

Submissions (7):

Labcorp Genetics (formerly Invitae), Labcorp
Classification: Likely benign for Arrhythmogenic right ventricular dysplasia 11. Last evaluated: 2026-01-26. Review status: criteria provided, single submitter. Criteria: Invitae Variant Classification Sherloc (09022015). Collection method: clinical testing. Allele origin: germline.

Color Diagnostics, LLC DBA Color Health
Classification: Likely benign for Cardiomyopathy. Last evaluated: 2025-12-17. Review status: criteria provided, single submitter. Criteria: ACMG Guidelines, 2015. Collection method: clinical testing. Allele origin: germline.

Mayo Clinic Laboratories, Mayo Clinic
Classification: Uncertain significance. Last evaluated: 2025-06-05. Review status: criteria provided, single submitter. Criteria: ACMG Guidelines, 2015. Collection method: clinical testing. Allele origin: germline. Observed: 1 variant allele.
Comment: BP4

GeneDx
Classification: Uncertain significance. Last evaluated: 2025-04-29. Review status: criteria provided, single submitter. Criteria: GeneDx Variant Classification Process June 2021. Collection method: clinical testing. Allele origin: germline. Affected: yes.
Comment: Identified in a patient with cardiomyopathy in published literature (PMID: 30847666); In silico analysis indicates that this missense variant does not alter protein structure/function; This variant is associated with the following publications: (PMID: 25819062, 30847666)

All of Us Research Program, National Institutes of Health
Classification: Uncertain significance for Familial isolated arrhythmogenic right ventricular dysplasia. Last evaluated: 2024-01-11. Review status: criteria provided, single submitter. Criteria: ACMG Guidelines, 2015. Collection method: clinical testing. Allele origin: germline. Inheritance: Autosomal dominant inheritance. Observed: 7 variant alleles, 7 heterozygotes.
Comment: This missense variant replaces glutamine with histidine at codon 766 of the DSC2 protein. Computational prediction suggests that this variant may not impact protein structure and function (internally defined REVEL score threshold <= 0.5, PMID: 27666373). Splice site prediction tools suggest that this variant may not impact RNA splicing. To our knowledge, functional studies have not been reported for this variant. This variant has not been reported in individuals affected with cardiovascular disorders in the literature. This variant has been identified in 14/282456 chromosomes in the general population by the Genome Aggregation Database (gnomAD). The available evidence is insufficient to determine the role of this variant in disease conclusively. Therefore, this variant is classified as a Variant of Uncertain Significance.

This study involves interpretation of variants in research participants for the purpose of population health screening. Participant phenotype was not available at the time of variant classification. Additional details can be found in publication PMID: 35346344, PMCID: PMC8962531

Ambry Genetics
Classification: Likely benign for Cardiovascular phenotype. Last evaluated: 2023-01-06. Review status: criteria provided, single submitter. Criteria: Ambry Variant Classification Scheme 2023. Collection method: clinical testing. Allele origin: germline.

CeGaT Center for Human Genetics Tuebingen
Classification: Uncertain significance. Last evaluated: 2021-09-01. Review status: criteria provided, single submitter. Criteria: CeGaT Center For Human Genetics Tuebingen Variant Classification Criteria Version 2. Collection method: clinical testing. Allele origin: germline. Affected: yes. Observed: 1 variant allele.

Literature cited by the submitters: PubMed 30847666 (cited by Mayo Clinic Laboratories, Mayo Clinic and Ambry Genetics); PubMed 25819062 (cited by Ambry Genetics).